The following is an entry in ClinVar:

ClinVar aggregate classification (germline): Uncertain significance (1 of 4 stars; one submission).

Submission:

Labcorp Genetics (formerly Invitae), Labcorp
Classification: Uncertain significance. Last evaluated: 2025-09-22. Review status: criteria provided, single submitter. Criteria: Invitae Variant Classification Sherloc (09022015). Collection method: clinical testing. Allele origin: germline.
Comment: This sequence change replaces arginine, which is basic and polar, with tryptophan, which is neutral and slightly polar, at codon 349 of the LRP5 protein (p.Arg349Trp). This variant is present in population databases (rs200740071, gnomAD 0.007%). This variant has not been reported in the literature in individuals affected with LRP5-related conditions. Invitae Evidence Modeling of protein sequence and biophysical properties (such as structural, functional, and spatial information, amino acid conservation, physicochemical variation, residue mobility, and thermodynamic stability) indicates that this missense variant is expected to disrupt LRP5 protein function with a positive predictive value of 95%. In summary, the available evidence is currently insufficient to determine the role of this variant in disease. Therefore, it has been classified as a Variant of Uncertain Significance.

NM_002335.4(LRP5):c.1045C>T (p.Arg349Trp)

Gene: LRP5 (LDL receptor related protein 5; plus strand). Cytogenetic location: 11q13.2.
Variant type: single nucleotide variant.
Coding change: c.1045C>T on transcript NM_002335.4 (MANE Select); coding-DNA position 1045, C replaced by T.
Protein change: p.Arg349Trp; replaces arginine 349 with tryptophan.
Molecular consequence: missense variant. On other transcripts: 5 prime UTR variant (1).
Genome position (GRCh38, 1-based): chr11:68,386,345, C>T. VCF-style: chr11-68386345-C-T. GRCh37 (hg19) VCF-style: chr11-68153813-C-T.
Other names: c.-721C>T (NM_001291902.2); short protein forms R349W.
Identifiers: ClinVar variation 4696679 (VCV004696679.1).